The following is an entry in ClinVar:

NM_001199753.2(CPT1C):c.26G>A (p.Gly9Asp)

Gene: CPT1C (carnitine palmitoyltransferase 1C; plus strand). Cytogenetic location: 19q13.33.
Variant type: single nucleotide variant.
Coding change: c.26G>A on transcript NM_001199753.2 (MANE Select); coding-DNA position 26, G replaced by A.
Protein change: p.Gly9Asp; replaces glycine 9 with aspartic acid.
Molecular consequence: missense variant. On other transcripts: non-coding transcript variant (1).
Genome position (GRCh38, 1-based): chr19:49,692,278, G>A. VCF-style: chr19-49692278-G-A. GRCh37 (hg19) VCF-style: chr19-50195535-G-A.
Other names: c.26G>A, p.Gly9Asp (NM_001378486.1, NM_001378487.1, NM_001378488.1 and 7 more transcripts); short protein forms G9D.
Identifiers: ClinVar variation 3006787 (VCV003006787.3), dbSNP rs1162689323, ClinGen allele CA406893557.

ClinVar aggregate classification (germline): Uncertain significance (1 of 4 stars; one submission).

Conditions:
Hereditary spastic paraplegia 73. Also called: Spastic paraplegia 73, autosomal dominant. Identifiers: Orphanet 444099, MedGen C5568981, MONDO:0014568, OMIM 616282.

gnomAD v4.1: 9 of 1,614,022 alleles (0.00056%); highest among the groups gnomAD compares: Admixed American, 0.0017%; no homozygotes.

Submission:

Labcorp Genetics (formerly Invitae), Labcorp
Classification: Uncertain significance for Hereditary spastic paraplegia 73. Last evaluated: 2024-10-09. Review status: criteria provided, single submitter. Criteria: Invitae Variant Classification Sherloc (09022015). Collection method: clinical testing. Allele origin: germline.
Comment: This sequence change replaces glycine, which is neutral and non-polar, with aspartic acid, which is acidic and polar, at codon 9 of the CPT1C protein (p.Gly9Asp). This variant is present in population databases (no rsID available, gnomAD 0.003%). This variant has not been reported in the literature in individuals affected with CPT1C-related conditions. An algorithm developed to predict the effect of missense changes on protein structure and function outputs the following: PolyPhen-2: "Benign". The aspartic acid amino acid residue is found in multiple mammalian species, which suggests that this missense change does not adversely affect protein function. In summary, the available evidence is currently insufficient to determine the role of this variant in disease. Therefore, it has been classified as a Variant of Uncertain Significance.